The following is an entry in ClinVar:

ClinVar aggregate classification (germline): Likely benign (0 of 4 stars; one submission).

Conditions:
GLI3-related disorder. Also called: GLI3-related disorders; GLI3-related condition. Identifiers: MedGen CN239292.

Allele frequency attached by ClinVar (database versions not stated): gnomAD 0.00001; gnomAD exomes 0.00002; TOPMed 0.00002.
gnomAD v4.1: 37 of 1,613,962 alleles (0.0023%); highest among the groups gnomAD compares: Non-Finnish European, 0.003%; no homozygotes.

Submission:

PreventionGenetics, part of Exact Sciences
Classification: Likely benign for GLI3-related condition. Last evaluated: 2023-02-07. Review status: no assertion criteria provided. Collection method: clinical testing. Allele origin: germline.
Comment: This variant is classified as likely benign based on ACMG/AMP sequence variant interpretation guidelines (Richards et al. 2015 PMID: 25741868, with internal and published modifications).

NM_000168.6(GLI3):c.1641A>G (p.Lys547=)

Gene: GLI3 (GLI family zinc finger 3; minus strand). Cytogenetic location: 7p14.1.
Variant type: single nucleotide variant.
Coding change: c.1641A>G on transcript NM_000168.6 (MANE Select); coding-DNA position 1641, A replaced by G.
Protein change: p.Lys547=; no amino-acid change (lysine 547 retained).
Molecular consequence: synonymous variant.
Genome position (GRCh38, 1-based): chr7:41,978,605, T>C on the plus strand (A>G on the coding strand, the complement: GLI3 is on the minus strand). VCF-style: chr7-41978605-T-C. GRCh37 (hg19) VCF-style: chr7-42018204-T-C.
Identifiers: ClinVar variation 3055462 (VCV003055462.2), dbSNP rs1175131665, ClinGen allele CA454527468.